The following is an entry in ClinVar:

ClinVar aggregate classification (germline): Uncertain significance (1 of 4 stars; one submission).

Conditions:
Hereditary pheochromocytoma and paraganglioma. Also called: Hereditary paragangliomas and pheochromocytomas; Hereditary Paraganglioma-Pheochromocytoma Syndromes; Hereditary pheochromocytoma-paraganglioma. Identifiers: Orphanet 29072, MedGen C4274332, MONDO:0017366.

Submission:

Labcorp Genetics (formerly Invitae), Labcorp
Classification: Uncertain significance for Hereditary pheochromocytoma and paraganglioma. Last evaluated: 2023-06-23. Review status: criteria provided, single submitter. Criteria: Invitae Variant Classification Sherloc (09022015). Collection method: clinical testing. Allele origin: unknown.
Comment: In summary, the available evidence is currently insufficient to determine the role of this variant in disease. Therefore, it has been classified as a Variant of Uncertain Significance. This variant has not been reported in the literature in individuals affected with MAX-related conditions. This variant results in a copy number gain of the genomic region encompassing exon(s) 1-4 of the MAX gene. This region includes the initiator codon of the gene. This copy number gain extends beyond the assayed region for this gene and therefore may encompass additional genes. As the precise location of this event is unknown, it may be in tandem or it may be located elsewhere in the genome.

NC_000014.8:g.(?_65544621)_(65569057_?)dup

Gene: MAX (MYC associated transcriptional regulator X; minus strand). Cytogenetic location: 14q23.3.
Variant type: Duplication.
Identifiers: ClinVar variation 3243971 (VCV003243971.1).